The following is an entry in ClinVar:

ClinVar aggregate classification (germline): Uncertain significance. Review status: criteria provided, multiple submitters, no conflicts (2 of 4 stars). 2 submissions from 2 submitters: Uncertain significance (2). Last evaluated 2020-08-21.

Conditions:
Hereditary cancer-predisposing syndrome. Also called: Tumor predisposition; Hereditary Cancer Syndrome; Neoplastic Syndromes, Hereditary; Hereditary neoplastic syndrome. Identifiers: Orphanet 140162, MedGen C0027672, MeSH D009386, MONDO:0015356.
Familial melanoma. Also called: Hereditary melanoma; Hereditary cutaneous melanoma. Identifiers: Orphanet 618, MedGen C1512419, MONDO:0018961.

Submissions (2):

Labcorp Genetics (formerly Invitae), Labcorp
Classification: Uncertain significance for Familial melanoma. Last evaluated: 2020-08-21. Review status: criteria provided, single submitter. Criteria: Invitae Variant Classification Sherloc (09022015). Collection method: clinical testing. Allele origin: germline.
Comment: This sequence change replaces alanine with proline at codon 148 of the CDKN2A (p16INK4a) protein (p.Ala148Pro). The alanine residue is moderately conserved and there is a small physicochemical difference between alanine and proline. This variant is not present in population databases (ExAC no frequency). This variant has not been reported in the literature in individuals with CDKN2A (p16INK4a)-related disease. ClinVar contains an entry for this variant (Variation ID: 483343). Algorithms developed to predict the effect of missense changes on protein structure and function output the following: SIFT: "Deleterious"; PolyPhen-2: "Benign"; Align-GVGD: "Class C0". The proline amino acid residue is found in multiple mammalian species, suggesting that this missense change does not adversely affect protein function. These predictions have not been confirmed by published functional studies and their clinical significance is uncertain. In summary, the available evidence is currently insufficient to determine the role of this variant in disease. Therefore, it has been classified as a Variant of Uncertain Significance.

Ambry Genetics
Classification: Uncertain significance for Hereditary cancer-predisposing syndrome. Last evaluated: 2016-10-19. Review status: criteria provided, single submitter. Criteria: Ambry Variant Classification Scheme 2023. Collection method: clinical testing. Allele origin: germline.
Comment: The p.A148P variant (also known as c.442G>C), located in coding exon 2 of the CDKN2A gene, results from a G to C substitution at nucleotide position 442. The alanine at codon 148 is replaced by proline, an amino acid with highly similar properties. This variant was not reported in population based cohorts in the following databases: Database of Single Nucleotide Polymorphisms (dbSNP), NHLBI Exome Sequencing Project (ESP), and 1000 Genomes Project. In the ESP, this variant was not observed in 6503 samples (13006 alleles) with coverage at this position. To date, this alteration has been detected with an allele frequency of approximately 0.001% (greater than 75000 alleles tested) in our clinical cohort. This amino acid position is not well conserved in available vertebrate species. In addition, this alteration is predicted to be tolerated by in silico analysis. Since supporting evidence is limited at this time, the clinical significance of this alteration remains unclear.

NM_000077.5(CDKN2A):c.442G>C (p.Ala148Pro)

Gene: CDKN2A (cyclin dependent kinase inhibitor 2A; minus strand). Cytogenetic location: 9p21.3.
Variant type: single nucleotide variant.
Coding change: c.442G>C on transcript NM_000077.5; coding-DNA position 442, G replaced by C.
Protein change: p.Ala148Pro; replaces alanine 148 with proline.
Molecular consequence: missense variant (on NM_000077.6). On other transcripts: 3 prime UTR variant (2).
Genome position (GRCh38, 1-based): chr9:21,970,917, C>G on the plus strand (G>C on the coding strand, the complement: CDKN2A is on the minus strand). VCF-style: chr9-21970917-C-G. GRCh37 (hg19) VCF-style: chr9-21970916-C-G.
Other names: c.442G>C, p.Ala148Pro (NM_000077.6, NM_001195132.2); c.289G>C, p.Ala97Pro (NM_001363763.2); c.*86G>C (NM_058195.4); c.*365G>C (NM_058197.5); short protein forms A148P, A97P.
Identifiers: ClinVar variation 483343 (VCV000483343.16), dbSNP rs3731249, ClinGen allele CA373085834.